The following is an entry in ClinVar:

ClinVar aggregate classification (germline): Likely pathogenic (1 of 4 stars; one submission).

Submission:

GeneDx
Classification: Likely pathogenic. Last evaluated: 2019-01-10. Review status: criteria provided, single submitter. Criteria: GeneDx Variant Classification (06012015). Collection method: clinical testing. Allele origin: germline. Affected: yes.
Comment: The c.1159delT variant in the PIGA gene has not been reported previously as a pathogenic variant nor as a benign variant, to our knowledge. The c.1159delT variant causes a frameshift starting with codon Tryptophan 387, changes this amino acid to a Glycine residue, and creates a premature Stop codon at position 37 of the new reading frame, denoted p.Trp387GlyfsX37. This variant is predicted to cause loss of normal protein function through protein truncation with the last 98 amino acids replaced with 36 incorrect residues. The c.1159delT variant is not observed in large population cohorts (Lek et al., 2016). We interpret c.1159delT as a likely pathogenic variant.

NM_002641.4(PIGA):c.1159del (p.Trp387fs)

Gene: PIGA (phosphatidylinositol glycan anchor biosynthesis class A; minus strand). Cytogenetic location: Xp22.2.
Variant type: Deletion.
Coding change: c.1159del on transcript NM_002641.4 (MANE Select); coding-DNA position 1159, one base deleted (T; older notation c.1159delT).
Protein change: p.Trp387fs; shifts the reading frame from tryptophan 387.
Molecular consequence: frameshift variant. On other transcripts: non-coding transcript variant (2).
Genome position (GRCh38, 1-based): chrX:15,324,694, A deleted on the plus strand (T on the coding strand, the reverse complement: PIGA is on the minus strand). VCF-style (leftmost placement, unchanged base first): chrX-15324693-CA-C. GRCh37 (hg19) VCF-style: chrX-15342815-CA-C.
Other names: c.457del, p.Trp153fs (NM_020473.3); short protein forms W387fs, W153fs.
Identifiers: ClinVar variation 817941 (VCV000817941.1), dbSNP rs1602208229, ClinGen allele CA915952821.